The following is an entry in ClinVar:

NM_033380.3(COL4A5):c.1958G>C (p.Gly653Ala)

Gene: COL4A5 (collagen type IV alpha 5 chain; plus strand). Cytogenetic location: Xq22.3.
Variant type: single nucleotide variant.
Coding change: c.1958G>C on transcript NM_033380.3 (MANE Select); coding-DNA position 1958, G replaced by C.
Protein change: p.Gly653Ala; replaces glycine 653 with alanine.
Molecular consequence: missense variant.
Genome position (GRCh38, 1-based): chrX:108,601,402, G>C. VCF-style: chrX-108601402-G-C. GRCh37 (hg19) VCF-style: chrX-107844632-G-C.
Other names: c.1958G>C, p.Gly653Ala (NM_000495.5); short protein forms G653A.
Identifiers: ClinVar variation 2027560 (VCV002027560.4), dbSNP rs2524325278, ClinGen allele CA413846670.

ClinVar aggregate classification (germline): Pathogenic (1 of 4 stars; one submission).

Submission:

Labcorp Genetics (formerly Invitae), Labcorp
Classification: Pathogenic. Last evaluated: 2022-12-03. Review status: criteria provided, single submitter. Criteria: Invitae Variant Classification Sherloc (09022015). Collection method: clinical testing. Allele origin: germline.
Comment: This sequence change replaces glycine, which is neutral and non-polar, with alanine, which is neutral and non-polar, at codon 653 of the COL4A5 protein (p.Gly653Ala). This variant is not present in population databases (gnomAD no frequency). This missense change has been observed in individual(s) with clinical features of Alport syndrome (Invitae). Advanced modeling of protein sequence and biophysical properties (such as structural, functional, and spatial information, amino acid conservation, physicochemical variation, residue mobility, and thermodynamic stability) performed at Invitae indicates that this missense variant is expected to disrupt COL4A5 protein function. This variant disrupts the triple helix domain of COL4A5. Glycine residues within the Gly-Xaa-Yaa repeats of the triple helix domain are required for the structure and stability of fibrillar collagens (PMID: 7695699, 8218237, 19344236). In COL4A5, missense variants at these glycine residues are significantly enriched in individuals with disease (PMID: 23720012, 27627812) compared to the general population (ExAC). This variant disrupts the p.Gly653 amino acid residue in COL4A5. Other variant(s) that disrupt this residue have been observed in individuals with COL4A5-related conditions (PMID: 7599631, 33330536; Invitae), which suggests that this may be a clinically significant amino acid residue. For these reasons, this variant has been classified as Pathogenic.

Literature cited by the submitters: PubMed 7695699; PubMed 8218237; PubMed 19344236; PubMed 23720012; PubMed 27627812; PubMed 7599631; PubMed 33330536.